The following is an entry in ClinVar:

ClinVar aggregate classification (germline): Benign (1 of 4 stars; one submission).

Conditions:
Papillary renal cell carcinoma type 1 (RCCP1). Also called: RENAL CELL CARCINOMA, PAPILLARY, 1, SOMATIC; Renal adenocarcinoma; Renal cell carcinoma 1; Renal cell carcinoma, somatic. Identifiers: Orphanet 47044, MedGen C1336839, OMIM 605074, HP:0011797.

Allele frequency attached by ClinVar (database versions not stated): gnomAD exomes 0.00042; gnomAD 0.00255 and 0.00272; TOPMed 0.00315; 1000 Genomes Project 0.00399; 1000 Genomes Project 30x 0.00406.

Submission:

Illumina Laboratory Services, Illumina
Classification: Benign for Papillary renal cell carcinoma type 1. Last evaluated: 2018-01-13. Review status: criteria provided, single submitter. Criteria: ICSL Variant Classification Criteria 13 December 2019. Collection method: clinical testing. Allele origin: germline.
Comment: This variant was observed in the ICSL laboratory as part of a predisposition screen in an ostensibly healthy population. It had not been previously curated by ICSL or reported in the Human Gene Mutation Database (HGMD: prior to June 1st, 2018), and was therefore a candidate for classification through an automated scoring system. Utilizing variant allele frequency, disease prevalence and penetrance estimates, and inheritance mode, an automated score was calculated to assess if this variant is too frequent to cause the disease. Based on the score and internal cut-off values, a variant classified as benign is not then subjected to further curation. The score for this variant resulted in a classification of benign for this disease.

NM_000245.4(MET):c.*1010G>T

Gene: MET (MET proto-oncogene, receptor tyrosine kinase; plus strand). Cytogenetic location: 7q31.2.
Variant type: single nucleotide variant.
Coding change: c.*1010G>T on transcript NM_000245.4 (MANE Select); 1010 bases downstream of the stop codon, G replaced by T.
Molecular consequence: 3 prime UTR variant.
Genome position (GRCh38, 1-based): chr7:116,797,134, G>T. VCF-style: chr7-116797134-G-T. GRCh37 (hg19) VCF-style: chr7-116437188-G-T.
Other names: c.*1010G>T (LRG_662t1, NM_001127500.3, NM_001324402.2).
Identifiers: ClinVar variation 358712 (VCV000358712.5), dbSNP rs150534017, ClinGen allele CA10628025.
Genomic context (GRCh38, chr7:116,797,134, plus strand): 5'-GTCATCATGAAATATTTAGTTGTCATATAAAAACCCACTGTTTGAGAATGATGCTACTCT[G>T]ATCTAATGAATGTGAACATGTAGATGTTTTGTGTGTATTTTTTTAAATGAAAACTCAAAA-3'